The following is an entry in ClinVar:

NM_001281503.2(SLITRK1):c.1753A>T (p.Ile585Phe)

Gene: SLITRK1 (SLIT and NTRK like family member 1; minus strand). Cytogenetic location: 13q31.1.
Variant type: single nucleotide variant.
Coding change: c.1753A>T on transcript NM_001281503.2 (MANE Select); coding-DNA position 1753, A replaced by T.
Protein change: p.Ile585Phe; replaces isoleucine 585 with phenylalanine.
Molecular consequence: missense variant.
Genome position (GRCh38, 1-based): chr13:83,879,755, T>A on the plus strand (A>T on the coding strand, the complement: SLITRK1 is on the minus strand). VCF-style: chr13-83879755-T-A. GRCh37 (hg19) VCF-style: chr13-84453890-T-A.
Other names: c.1753A>T, p.Ile585Phe (NM_052910.2); short protein forms I585F.
Identifiers: ClinVar variation 5020748 (VCV005020748.1).

ClinVar aggregate classification (germline): Uncertain significance (1 of 4 stars; one submission).

Submission:

Dasa
Classification: Uncertain significance. Last evaluated: 2025-12-31. Review status: criteria provided, single submitter. Criteria: DASA Assertion Criteria. Collection method: clinical testing. Allele origin: germline.
Comment: NM_001281503.2(SLITRK1):c.1753A>T (p.Ile585Phe) is a missense variant that results in the substitution of isoleucine with phenylalanine. This variant is rare in population databases. Computational prediction algorithms are consistent with a benign effect. The currently available literature and clinical evidence are not sufficient to establish a definitive association between this variant and the reported condition. Therefore, this variant is classified as a variant of uncertain significance.